The following is an entry in ClinVar:

ClinVar aggregate classification (germline): Pathogenic/Likely pathogenic. Review status: criteria provided, multiple submitters, no conflicts (2 of 4 stars). 5 submissions from 5 submitters: Pathogenic (2); Likely pathogenic (1). 2 of the submissions do not count toward it. Last evaluated 2022-11-14.

Conditions:
Tuberous sclerosis 2 (TSC2). Identifiers: Orphanet 805, MedGen C1860707, MONDO:0013199, OMIM 613254.
Tuberous sclerosis syndrome (TSC). Also called: Tuberous Sclerosis Complex; Tuberous sclerosis. Identifiers: Orphanet 805, MedGen C0041341, MONDO:0001734.
Abnormal cerebral morphology. Also called: Abnormality of the cerebrum. Identifiers: MedGen C4021762, HP:0002060.

Submissions (5):

Labcorp Genetics (formerly Invitae), Labcorp
Classification: Pathogenic for Tuberous sclerosis 2. Last evaluated: 2022-11-14. Review status: criteria provided, single submitter. Criteria: Invitae Variant Classification Sherloc (09022015). Collection method: clinical testing. Allele origin: germline.
Comment: This variant is not present in population databases (gnomAD no frequency). For these reasons, this variant has been classified as Pathogenic. Experimental studies have shown that this protein extension affects TSC2 function (PMID: 11781698). Algorithms developed to predict the effect of variants on protein structure and function are not available or were not evaluated for this variant. This protein extension has been observed in individual(s) with clinical features of tuberous sclerosis complex (PMID: 11781698, 23389244; Invitae). This sequence change disrupts the translational stop signal of the TSC2 mRNA. It is expected to extend the length of the TSC2 protein by an uncertain number of additional amino acid residues.

Genome-Nilou Lab
Classification: Likely pathogenic for Tuberous sclerosis 2. Last evaluated: 2021-11-07. Review status: criteria provided, single submitter. Criteria: ACMG Guidelines, 2015. Collection method: clinical testing. Allele origin: germline. Affected: no.

Division of Genomic Medicine, Department of Advanced Medicine, Medical Research Institute, Kanazawa Medical University
Classification: Pathogenic for Tuberous sclerosis 2. Last evaluated: 2020-07-10. Review status: criteria provided, single submitter. Criteria: ACMG Guidelines, 2015. Collection method: clinical testing. Allele origin: germline. Affected: yes. Observed: 1 variant allele.

Diagnostic Laboratory, Strasbourg University Hospital
Classification: Uncertain significance for Abnormal cerebral morphology. Review status: no assertion criteria provided. Collection method: clinical testing. Allele origin: germline. Affected: yes. Observed: 1 heterozygote. Not counted in ClinVar's aggregate classification.

Tuberous sclerosis database (TSC2)
No classification provided. Condition: TSC. Review status: no classification provided. Criteria: Tuberous Sclerosis Database Assertion Criteria 2015. Collection method: curation. Allele origin: germline. Affected: yes. Not counted in ClinVar's aggregate classification.

Literature cited by the submitters: PubMed 11781698 (cited by Labcorp Genetics (formerly Invitae), Labcorp); PubMed 23389244 (cited by Labcorp Genetics (formerly Invitae), Labcorp).

NM_000548.5(TSC2):c.5422_5423del (p.Ter1808ArgextTer?)

Gene: TSC2 (TSC complex subunit 2; plus strand). Cytogenetic location: 16p13.3.
Variant type: Microsatellite.
Coding change: c.5422_5423del on transcript NM_000548.5 (MANE Select); coding-DNA positions 5422 to 5423, 2 bases deleted (TG; older notation c.5422_5423delTG).
Protein change: p.Ter1808ArgextTer?.
Molecular consequence: frameshift variant, stop lost.
Genome position (GRCh38, 1-based): chr16:2,088,608-2,088,609, TG deleted; deleting any 2 consecutive bases within chr16:2,088,604-2,088,609 gives the same sequence; the c. name uses the placement nearest the transcript's 3' end. VCF-style (leftmost placement, unchanged base first): chr16-2088603-TTG-T. GRCh37 (hg19) VCF-style: chr16-2138604-TTG-T.
Other names: c.5221_5222del, p.Ter1741ArgextTer? (NM_001077183.3); c.5353_5354del, p.Ter1785ArgextTer? (NM_001114382.3); c.5113_5114del, p.Ter1705ArgextTer? (NM_001318827.2); c.5077_5078del, p.Ter1693ArgextTer? (NM_001318829.2); c.4690_4691del, p.Ter1564ArgextTer? (NM_001318831.2); c.5254_5255del, p.Ter1752ArgextTer? (NM_001318832.2); c.5224_5225del, p.Ter1742ArgextTer? (NM_001363528.2); c.5290_5291del, p.Ter1764ArgextTer? (NM_001370404.1); and 2 more.
Identifiers: ClinVar variation 49859 (VCV000049859.12), dbSNP rs137854027, ClinGen allele CA022520.
Genomic context (GRCh38, chr16:2,088,603, plus strand): 5'-CTGGCTATGAGGTGGGCCAGCGGAAGCGCCTCATCTCCTCGGTGGAGGACTTCACCGAGT[TTG>T]TGTGAGGCCGGGGCCCTCCCTCCTGCACTGGCCTTGGACGGTATTGCCTGTCAGTGAAAT-3'